The following is an entry in ClinVar:

ClinVar aggregate classification (germline): Uncertain significance (1 of 4 stars; one submission).

Submissions (2):

Labcorp Genetics (formerly Invitae), Labcorp
Classification: Uncertain significance. Last evaluated: 2019-01-25. Review status: criteria provided, single submitter. Criteria: Invitae Variant Classification Sherloc (09022015). Collection method: clinical testing. Allele origin: germline.
Comment: In summary, the available evidence is currently insufficient to determine the role of this variant in disease. Therefore, it has been classified as a Variant of Uncertain Significance. Algorithms developed to predict the effect of missense changes on protein structure and function are either unavailable or do not agree on the potential impact of this missense change (SIFT: "Deleterious"; PolyPhen-2: "Probably Damaging"; Align-GVGD: "Class C0"). This variant has not been reported in the literature in individuals with ABRAXAS1-related conditions. This variant is not present in population databases (ExAC no frequency). This sequence change replaces arginine with leucine at codon 103 of the ABRAXAS1 protein (p.Arg103Leu). The arginine residue is highly conserved and there is a moderate physicochemical difference between arginine and leucine.

Dr. Peter K. Rogan Lab, Western University
No classification provided (evidence only). Condition: Thyroid cancer, nonmedullary, 1. Review status: no classification provided. Collection method: in vitro. Allele origin: not applicable. Functional consequence: skipped exon. Not counted in ClinVar's aggregate classification.

NM_139076.3(ABRAXAS1):c.308G>T (p.Arg103Leu)

Gene: ABRAXAS1 (abraxas 1, BRCA1 A complex subunit; minus strand). Cytogenetic location: 4q21.23.
Variant type: single nucleotide variant.
Coding change: c.308G>T on transcript NM_139076.3 (MANE Select); coding-DNA position 308, G replaced by T.
Protein change: p.Arg103Leu; replaces arginine 103 with leucine.
Molecular consequence: missense variant. On other transcripts: 5 prime UTR variant (1).
Genome position (GRCh38, 1-based): chr4:83,470,371, C>A on the plus strand (G>T on the coding strand, the complement: ABRAXAS1 is on the minus strand). VCF-style: chr4-83470371-C-A. GRCh37 (hg19) VCF-style: chr4-84391524-C-A.
Other names: c.-20G>T (NM_001345962.2); short protein forms R103L.
Identifiers: ClinVar variation 835561 (VCV000835561.10), dbSNP rs200068246, ClinGen allele CA357260229.